The following is an entry in ClinVar:

ClinVar aggregate classification (germline): Conflicting classifications of pathogenicity. Review status: criteria provided, conflicting classifications (1 of 4 stars). 6 submissions from 6 submitters: Uncertain significance (5); Likely benign (1). Last evaluated 2025-07-31.

Conditions:
Hereditary cancer-predisposing syndrome. Also called: Tumor predisposition; Hereditary Cancer Syndrome; Hereditary neoplastic syndrome; Neoplastic Syndromes, Hereditary. Identifiers: Orphanet 140162, MedGen C0027672, MeSH D009386, MONDO:0015356.
Hereditary breast ovarian cancer syndrome. Also called: Hereditary breast and ovarian cancer; Breast and ovarian cancer; BRCA1- and BRCA2-Associated Hereditary Breast and Ovarian Cancer; Hereditary breast and ovarian cancer syndrome; Hereditary breast and ovarian cancer syndrome (HBOC); Hereditary breast and/or ovarian cancer syndrome. Identifiers: Orphanet 145, MedGen C0677776, MeSH D061325, MONDO:0003582. Disease mechanism: loss of function.
Breast-ovarian cancer, familial, susceptibility to, 2 (BROVCA2). Also called: BRCA2 Hereditary Breast and Ovarian Cancer. Identifiers: Orphanet 145, MedGen C2675520, MONDO:0012933, OMIM 612555. Disease mechanism: loss of function.

Allele frequency attached by ClinVar (database versions not stated): gnomAD exomes below 0.00001; TOPMed below 0.00001.

Submissions (6):

Labcorp Genetics (formerly Invitae), Labcorp
Classification: Uncertain significance for Hereditary breast ovarian cancer syndrome. Last evaluated: 2025-07-31. Review status: criteria provided, single submitter. Criteria: Invitae Variant Classification Sherloc (09022015). Collection method: clinical testing. Allele origin: germline.
Comment: This sequence change replaces asparagine, which is neutral and polar, with threonine, which is neutral and polar, at codon 369 of the BRCA2 protein (p.Asn369Thr). This variant is present in population databases (no rsID available, gnomAD 0.003%). This variant has not been reported in the literature in individuals affected with BRCA2-related conditions. ClinVar contains an entry for this variant (Variation ID: 234275). Invitae Evidence Modeling of protein sequence and biophysical properties (such as structural, functional, and spatial information, amino acid conservation, physicochemical variation, residue mobility, and thermodynamic stability) indicates that this missense variant is not expected to disrupt BRCA2 protein function with a negative predictive value of 95%. In summary, the available evidence is currently insufficient to determine the role of this variant in disease. Therefore, it has been classified as a Variant of Uncertain Significance.

Ambry Genetics
Classification: Uncertain significance for Hereditary cancer-predisposing syndrome. Last evaluated: 2025-06-23. Review status: criteria provided, single submitter. Criteria: Ambry Variant Classification Scheme 2023. Collection method: clinical testing. Allele origin: germline.
Comment: The p.N369T variant (also known as c.1106A>C), located in coding exon 9 of the BRCA2 gene, results from an A to C substitution at nucleotide position 1106. The asparagine at codon 369 is replaced by threonine, an amino acid with similar properties. This amino acid position is poorly conserved in available vertebrate species. In addition, this alteration is predicted to be tolerated by in silico analysis. Since supporting evidence is limited at this time, the clinical significance of this alteration remains unclear.

GeneDx
Classification: Uncertain significance. Last evaluated: 2023-12-26. Review status: criteria provided, single submitter. Criteria: GeneDx Variant Classification Process June 2021. Collection method: clinical testing. Allele origin: germline. Affected: yes.
Comment: Not observed at significant frequency in large population cohorts (gnomAD); In silico analysis supports that this missense variant does not alter protein structure/function; Has not been previously published as pathogenic or benign to our knowledge; Also known as 1334A>C; This variant is associated with the following publications: (PMID: 29884841, 32377563)

All of Us Research Program, National Institutes of Health
Classification: Uncertain significance for Breast-ovarian cancer, familial, susceptibility to, 2. Last evaluated: 2023-11-20. Review status: criteria provided, single submitter. Criteria: ACMG Guidelines, 2015. Collection method: clinical testing. Allele origin: germline. Inheritance: Autosomal dominant inheritance. Observed: 1 variant allele, 1 heterozygote.
Comment: This missense variant replaces asparagine with threonine at codon 369 of the BRCA2 protein. Computational prediction suggests that this variant may not impact protein structure and function (internally defined REVEL score threshold <= 0.5, PMID: 27666373). To our knowledge, functional studies have not been reported for this variant. This variant has not been reported in individuals affected with BRCA2-related disorders in the literature. This variant has been identified in 1/249768 chromosomes in the general population by the Genome Aggregation Database (gnomAD). The available evidence is insufficient to determine the role of this variant in disease conclusively. Therefore, this variant is classified as a Variant of Uncertain Significance.

This study involves interpretation of variants in research participants for the purpose of population health screening. Participant phenotype was not available at the time of variant classification. Additional details can be found in publication PMID: 35346344, PMCID: PMC8962531

University of Washington Department of Laboratory Medicine, University of Washington
Classification: Likely benign for Hereditary cancer-predisposing syndrome. Last evaluated: 2023-03-23. Review status: criteria provided, single submitter. Criteria: Dines et al. (Genet Med. 2020). Collection method: curation. Allele origin: germline.
Comment: Missense variant in a coldspot region where missense variants are very unlikely to be pathogenic (PMID:31911673).

BRCA2 exon 10 coldspot. Reclassification based on statistical prior probability.

Quest Diagnostics Nichols Institute San Juan Capistrano
Classification: Uncertain significance. Last evaluated: 2017-04-23. Review status: criteria provided, single submitter. Criteria: Quest Diagnostics criteria. Collection method: clinical testing. Allele origin: germline.

NM_000059.4(BRCA2):c.1106A>C (p.Asn369Thr)

Gene: BRCA2 (BRCA2 DNA repair associated; plus strand). Cytogenetic location: 13q13.1.
Variant type: single nucleotide variant.
Coding change: c.1106A>C on transcript NM_000059.4 (MANE Select); coding-DNA position 1106, A replaced by C.
Protein change: p.Asn369Thr; replaces asparagine 369 with threonine.
Molecular consequence: missense variant.
Genome position (GRCh38, 1-based): chr13:32,332,584, A>C. VCF-style: chr13-32332584-A-C. GRCh37 (hg19) VCF-style: chr13-32906721-A-C.
Other names: short protein forms N369T.
Identifiers: ClinVar variation 234275 (VCV000234275.20), dbSNP rs876660966, ClinGen allele CA10577461.